The following is an entry in ClinVar:

NM_004415.4(DSP):c.3600T>G (p.Asn1200Lys)

Gene: DSP (desmoplakin; plus strand). Cytogenetic location: 6p24.3.
Variant type: single nucleotide variant.
Coding change: c.3600T>G on transcript NM_004415.4 (MANE Select); coding-DNA position 3600, T replaced by G.
Protein change: p.Asn1200Lys; replaces asparagine 1200 with lysine.
Molecular consequence: missense variant. On other transcripts: intron variant (1).
Genome position (GRCh38, 1-based): chr6:7,579,790, T>G. VCF-style: chr6-7579790-T-G. GRCh37 (hg19) VCF-style: chr6-7580023-T-G.
Other names: p.N1200K:AAT>AAG; c.3600T>G (LRG_423t1); c.3600T>G, p.Asn1200Lys (NM_001319034.2); c.3582+18T>G (NM_001008844.3); short protein forms N1200K.
Identifiers: ClinVar variation 191639 (VCV000191639.21), dbSNP rs202049575, ClinGen allele CA004249.

ClinVar aggregate classification (germline): Conflicting classifications of pathogenicity. Review status: criteria provided, conflicting classifications (1 of 4 stars). 8 submissions from 8 submitters: Uncertain significance (6); Likely benign (1). 1 of the submissions does not count toward it. Last evaluated 2025-01-01.

Conditions:
Cardiovascular phenotype. Identifiers: MedGen CN230736.
Arrhythmogenic right ventricular dysplasia 8 (ARVD8). Also called: ARRHYTHMOGENIC RIGHT VENTRICULAR DYSPLASIA, FAMILIAL, 8; ARRHYTHMOGENIC RIGHT VENTRICULAR CARDIOMYOPATHY 8; Arrhythmogenic Right Ventricular Dysplasia/Cardiomyopathy 8. Identifiers: MedGen C1843896, MONDO:0011831, OMIM 607450.
Arrhythmogenic cardiomyopathy with wooly hair and keratoderma. Also called: Carvajal syndrome; Arrhythmogenic cardiomyopathy with woolly hair and keratoderma; PALMOPLANTAR KERATODERMA WITH LEFT VENTRICULAR CARDIOMYOPATHY AND WOOLLY HAIR; Dilated cardiomyopathy with woolly hair and keratoderma. Identifiers: Orphanet 65282, MedGen C1854063, MONDO:0011581, OMIM 605676.
Cardiomyopathy (CMYO). Also called: Cardiomyopathies. Identifiers: Orphanet 167848, MedGen C0878544, MONDO:0004994, HP:0001638. Inheritance: Various modes of inheritance.

Allele frequency attached by ClinVar (database versions not stated): TOPMed 0.00001; ExAC 0.00003; gnomAD exomes 0.00003; gnomAD 0.00012.
gnomAD v4.1: 64 of 1,613,702 alleles (0.004%); highest among the groups gnomAD compares: Non-Finnish European, 0.0036%; no homozygotes.

Submissions (8):

Labcorp Genetics (formerly Invitae), Labcorp
Classification: Likely benign for Arrhythmogenic cardiomyopathy with wooly hair and keratoderma; Arrhythmogenic right ventricular dysplasia 8. Last evaluated: 2025-01-01. Review status: criteria provided, single submitter. Criteria: Invitae Variant Classification Sherloc (09022015). Collection method: clinical testing. Allele origin: germline.

Blueprint Genetics
Classification: Uncertain significance. Last evaluated: 2024-08-29. Review status: criteria provided, single submitter. Criteria: ACMG Guidelines, 2015. Collection method: clinical testing. Allele origin: germline.

All of Us Research Program, National Institutes of Health
Classification: Uncertain significance for Arrhythmogenic cardiomyopathy with wooly hair and keratoderma. Last evaluated: 2024-03-24. Review status: criteria provided, single submitter. Criteria: ACMG Guidelines, 2015. Collection method: clinical testing. Allele origin: germline. Inheritance: Autosomal dominant inheritance. Observed: 11 variant alleles, 11 heterozygotes.
Comment: This missense variant replaces asparagine with lysine at codon 1200 of the DSP protein. Computational prediction suggests that this variant may not impact protein structure and function (internally defined REVEL score threshold <= 0.5, PMID: 27666373). To our knowledge, functional studies have not been reported for this variant. This variant has not been reported in individuals affected with DSP-related disorders in the literature. This variant has been identified in 20/282354 chromosomes in the general population by the Genome Aggregation Database (gnomAD). The available evidence is insufficient to determine the role of this variant in disease conclusively. Therefore, this variant is classified as a Variant of Uncertain Significance.

This study involves interpretation of variants in research participants for the purpose of population health screening. Participant phenotype was not available at the time of variant classification. Additional details can be found in publication PMID: 35346344, PMCID: PMC8962531

Color Diagnostics, LLC DBA Color Health
Classification: Uncertain significance for Cardiomyopathy. Last evaluated: 2024-02-16. Review status: criteria provided, single submitter. Criteria: ACMG Guidelines, 2015. Collection method: clinical testing. Allele origin: germline.
Comment: This missense variant replaces asparagine with lysine at codon 1200 of the DSP protein. Computational prediction suggests that this variant may not impact protein structure and function (internally defined REVEL score threshold <= 0.5, PMID: 27666373). To our knowledge, functional studies have not been reported for this variant. This variant has not been reported in individuals affected with DSP-related disorders in the literature. This variant has been identified in 20/282354 chromosomes in the general population by the Genome Aggregation Database (gnomAD). The available evidence is insufficient to determine the role of this variant in disease conclusively. Therefore, this variant is classified as a Variant of Uncertain Significance.

Ambry Genetics
Classification: Uncertain significance for Cardiovascular phenotype. Last evaluated: 2021-01-13. Review status: criteria provided, single submitter. Criteria: Ambry Variant Classification Scheme 2023. Collection method: clinical testing. Allele origin: germline.
Comment: The p.N1200K variant (also known as c.3600T>G), located in coding exon 23 of the DSP gene, results from a T to G substitution at nucleotide position 3600. The asparagine at codon 1200 is replaced by lysine, an amino acid with similar properties. This alteration has been reported as a secondary cardiac variant in an exome cohort; however, clinical details are limited (Ng D et al. Circ Cardiovasc Genet, 2013 Aug;6:337-46). This amino acid position is not well conserved in available vertebrate species, and lysine is the reference amino acid in other vertebrate species. In addition, this alteration is predicted to be tolerated by in silico analysis. Since supporting evidence is limited at this time, the clinical significance of this alteration remains unclear.

GeneDx
Classification: Uncertain significance. Last evaluated: 2015-10-05. Review status: criteria provided, single submitter. Criteria: GeneDx Variant Classification (06012015). Collection method: clinical testing. Allele origin: germline. Affected: yes.
Comment: The N1200K variant has not been published as a pathogenic variant or been reported as a benign variant to our knowledge. The N1200K variant was not observed in approximately 6,500 individuals of European and African American ancestry in the NHLBI Exome Sequencing Project, indicating it is not a common benign variant in these populations. In addition, the N1200K variant is a semi-conservative amino acid substitution, which may impact secondary protein structure as these residues differ in some properties. Also, this substitution occurs at a position where amino acids with similar properties to Asparagine are tolerated across species. However, in silico analysis is inconsistent in its predictions as to whether or not the variant is damaging to the protein structure/function. Furthermore, no missense variants in nearby residues have been reported in the Human Gene Mutation Database in association with cardiomyopathy (Stenson et al., 2014). Therefore, based on the currently available information, it is unclear whether this variant is a pathogenic variant or a rare benign variant.

Biesecker Lab/Clinical Genomics Section, National Institutes of Health
Classification: Uncertain significance. Last evaluated: 2013-06-24. Review status: criteria provided, single submitter. Criteria: Ng et al. (Circ Cardiovasc Genet. 2013). Collection method: research. Allele origin: unknown. Observed: 1 variant allele. Study: ClinSeq.
Comment: The study set was not selected for affection status in relation to any cancer. Pathogenicity categories were based on literature curation. See Pubmed ID:23861362 for details.

Medical sequencing

Zotz-Klimas Genetics Lab, MVZ Zotz Klimas
Classification: Uncertain significance for Arrhythmogenic cardiomyopathy with wooly hair and keratoderma. Last evaluated: 2023-10-30. Review status: no assertion criteria provided. Collection method: clinical testing. Allele origin: germline. Affected: yes. Not counted in ClinVar's aggregate classification.

Literature cited by the submitters: PubMed 23861362 (cited by Ambry Genetics).